The following is an entry in ClinVar:

ClinVar aggregate classification (germline): Uncertain significance (1 of 4 stars; one submission).

Submission:

Women's Health and Genetics/Laboratory Corporation of America, LabCorp
Classification: Uncertain significance. Last evaluated: 2026-02-24. Review status: criteria provided, single submitter. Criteria: LabCorp Variant Classification Summary - May 2015. Collection method: clinical testing. Allele origin: germline.
Comment: Variant summary: ADAMTS2 c.1147A>G (p.Thr383Ala) results in a non-conservative amino acid change in the encoded protein sequence. Algorithms developed to predict the effect of missense changes on protein structure and function are either unavailable or do not agree on the potential impact of this missense change. The variant was absent in 248690 control chromosomes. The available data on variant occurrences in the general population are insufficient to allow any conclusion about variant significance. To our knowledge, no occurrence of c.1147A>G in individuals affected with ADAMTS2-related conditions and no experimental evidence demonstrating its impact on protein function have been reported. No submitters have cited clinical-significance assessments for this variant to ClinVar. Based on the evidence outlined above, the variant was classified as uncertain significance.

NM_014244.5(ADAMTS2):c.1147A>G (p.Thr383Ala)

Gene: ADAMTS2 (ADAM metallopeptidase with thrombospondin type 1 motif 2; minus strand). Cytogenetic location: 5q35.3.
Variant type: single nucleotide variant.
Coding change: c.1147A>G on transcript NM_014244.5 (MANE Select); coding-DNA position 1147, A replaced by G.
Protein change: p.Thr383Ala; replaces threonine 383 with alanine.
Molecular consequence: missense variant.
Genome position (GRCh38, 1-based): chr5:179,154,905, T>C on the plus strand (A>G on the coding strand, the complement: ADAMTS2 is on the minus strand). VCF-style: chr5-179154905-T-C. GRCh37 (hg19) VCF-style: chr5-178581906-T-C.
Other names: c.1147A>G, p.Thr383Ala (NM_021599.4); short protein forms T383A.
Identifiers: ClinVar variation 4848153 (VCV004848153.1).